The following is an entry in ClinVar:

ClinVar aggregate classification (germline): Uncertain significance (1 of 4 stars; one submission).

Conditions:
Hereditary cancer-predisposing syndrome. Also called: Neoplastic Syndromes, Hereditary; Tumor predisposition; Hereditary neoplastic syndrome; Hereditary Cancer Syndrome. Identifiers: Orphanet 140162, MedGen C0027672, MeSH D009386, MONDO:0015356.

Submission:

Ambry Genetics
Classification: Uncertain significance for Hereditary cancer-predisposing syndrome. Last evaluated: 2024-02-20. Review status: criteria provided, single submitter. Criteria: Ambry Variant Classification Scheme 2023. Collection method: clinical testing. Allele origin: germline.
Comment: The c.2221-3C>T intronic variant results from a C to T substitution 3 nucleotides upstream from coding exon 20 in the TSC2 gene. This nucleotide position is poorly conserved in available vertebrate species. In silico splice site analysis predicts that this alteration will not have any significant effect on splicing. Based on the available evidence, the clinical significance of this alteration remains unclear.

NM_000548.5(TSC2):c.2221-3C>T

Gene: TSC2 (TSC complex subunit 2; plus strand). Cytogenetic location: 16p13.3.
Variant type: single nucleotide variant.
Coding change: c.2221-3C>T on transcript NM_000548.5 (MANE Select); 3 bases into the intron before coding-DNA position 2221, C replaced by T.
Molecular consequence: intron variant.
Genome position (GRCh38, 1-based): chr16:2,072,846, C>T. VCF-style: chr16-2072846-C-T. GRCh37 (hg19) VCF-style: chr16-2122847-C-T.
Other names: c.877-3C>T (NM_001406693.1, NM_001406689.1, NM_001406690.1 and 6 more transcripts); c.2311-3C>T (NM_001406667.1, NM_001406668.1); c.1621-3C>T (NM_001406680.1, NM_001406683.1, NM_001406687.1 and 6 more transcripts); c.619-3C>T (NM_001406698.1); c.2221-3C>T (NM_001114382.3, NM_001406663.1, NM_001406664.1 and 6 more transcripts); c.2209-3C>T (NM_001406671.1, NM_001406673.1); c.1759-3C>T (NM_001406681.1); c.2110-3C>T (NM_001406670.1, NM_001318827.2, NM_001406678.1); and 3 more.
Identifiers: ClinVar variation 3232110 (VCV003232110.1), dbSNP rs1555506834, ClinGen allele CA2825002383.